The following is an entry in ClinVar:

ClinVar aggregate classification (germline): Uncertain significance. Review status: criteria provided, multiple submitters, no conflicts (2 of 4 stars). 2 submissions from 2 submitters: Uncertain significance (2). Last evaluated 2026-03-01.

Conditions:
X-linked intellectual disability Cabezas type (MRXSC). Also called: Intellectual developmental disorder, X-linked syndromic, Cabezas type; CABEZAS SYNDROME; MENTAL RETARDATION, X-LINKED, SYNDROMIC 15. Identifiers: Orphanet 85289, Orphanet 85293, MedGen C1845861, MONDO:0010306, OMIM 300354.

Allele frequency attached by ClinVar (database versions not stated): gnomAD exomes below 0.00001.
gnomAD v4.1: 1 of 1,208,885 alleles (0.000083%); highest among the groups gnomAD compares: Non-Finnish European, 0.00011%; no homozygotes.

Submissions (2):

CeGaT Center for Human Genetics Tuebingen
Classification: Uncertain significance. Last evaluated: 2026-03-01. Review status: criteria provided, single submitter. Criteria: CeGaT Center For Human Genetics Tuebingen Variant Classification Criteria Version 2. Collection method: clinical testing. Allele origin: germline. Affected: yes. Observed: 1 variant allele.
Comment: CUL4B: PM2, BP4

Labcorp Genetics (formerly Invitae), Labcorp
Classification: Uncertain significance for X-linked intellectual disability Cabezas type. Last evaluated: 2023-09-09. Review status: criteria provided, single submitter. Criteria: Invitae Variant Classification Sherloc (09022015). Collection method: clinical testing. Allele origin: germline.
Comment: This sequence change falls in intron 21 of the CUL4B gene. It does not directly change the encoded amino acid sequence of the CUL4B protein. It affects a nucleotide within the consensus splice site. This variant is not present in population databases (gnomAD no frequency). This variant has not been reported in the literature in individuals affected with CUL4B-related conditions. Variants that disrupt the consensus splice site are a relatively common cause of aberrant splicing (PMID: 17576681, 9536098). Algorithms developed to predict the effect of sequence changes on RNA splicing suggest that this variant is not likely to affect RNA splicing. In summary, the available evidence is currently insufficient to determine the role of this variant in disease. Therefore, it has been classified as a Variant of Uncertain Significance.

Literature cited by the submitters: PubMed 17576681 (cited by Labcorp Genetics (formerly Invitae), Labcorp); PubMed 9536098 (cited by Labcorp Genetics (formerly Invitae), Labcorp).

NM_001079872.2(CUL4B):c.2592+3A>T

Gene: CUL4B (cullin 4B; minus strand). Cytogenetic location: Xq24.
Variant type: single nucleotide variant.
Coding change: c.2592+3A>T on transcript NM_001079872.2 (MANE Select); 3 bases into the intron after coding-DNA position 2592, A replaced by T.
Molecular consequence: intron variant.
Genome position (GRCh38, 1-based): chrX:120,530,099, T>A on the plus strand (A>T on the coding strand, the complement: CUL4B is on the minus strand). VCF-style: chrX-120530099-T-A. GRCh37 (hg19) VCF-style: chrX-119663954-T-A.
Other names: c.2646+3A>T (NM_003588.4); c.2607+3A>T (NM_001330624.2); c.2058+3A>T (NM_001369145.1).
Identifiers: ClinVar variation 2715651 (VCV002715651.7), dbSNP rs2521046044, ClinGen allele CA2570581641.